The following is an entry in ClinVar:

NM_005732.4(RAD50):c.1783G>A (p.Ala595Thr)

Gene: RAD50 (RAD50 double strand break repair protein; plus strand). Cytogenetic location: 5q31.1.
Variant type: single nucleotide variant.
Coding change: c.1783G>A on transcript NM_005732.4 (MANE Select); coding-DNA position 1783, G replaced by A.
Protein change: p.Ala595Thr; replaces alanine 595 with threonine.
Molecular consequence: missense variant.
Genome position (GRCh38, 1-based): chr5:132,592,024, G>A. VCF-style: chr5-132592024-G-A. GRCh37 (hg19) VCF-style: chr5-131927716-G-A.
Other names: short protein forms A595T.
Identifiers: ClinVar variation 3224948 (VCV003224948.2), dbSNP rs2149842775, ClinGen allele CA360946780.

ClinVar aggregate classification (germline): Uncertain significance (1 of 4 stars; one submission).

Conditions:
Hereditary cancer-predisposing syndrome. Also called: Neoplastic Syndromes, Hereditary; Tumor predisposition; Hereditary neoplastic syndrome; Hereditary Cancer Syndrome. Identifiers: Orphanet 140162, MedGen C0027672, MeSH D009386, MONDO:0015356.

Allele frequency attached by ClinVar (database versions not stated): gnomAD exomes below 0.00001.
gnomAD v4.1: 1 of 1,612,290 alleles (0.000062%); highest among the groups gnomAD compares: South Asian, 0.0011%; no homozygotes.

Submission:

Ambry Genetics
Classification: Uncertain significance for Hereditary cancer-predisposing syndrome. Last evaluated: 2025-08-20. Review status: criteria provided, single submitter. Criteria: Ambry Variant Classification Scheme 2023. Collection method: clinical testing. Allele origin: germline.
Comment: The p.A595T variant (also known as c.1783G>A), located in coding exon 11 of the RAD50 gene, results from a G to A substitution at nucleotide position 1783. The alanine at codon 595 is replaced by threonine, an amino acid with similar properties. This amino acid position is conserved. In addition, this alteration is predicted to be tolerated by in silico analysis. Since supporting evidence is limited at this time, the clinical significance of this alteration remains unclear.